The following is an entry in ClinVar:

ClinVar aggregate classification (germline): Likely pathogenic. Review status: criteria provided, multiple submitters, no conflicts (2 of 4 stars). 2 submissions from 2 submitters: Likely pathogenic (2). Last evaluated 2026-09-01.

Allele frequency attached by ClinVar (database versions not stated): ExAC 0.00001; gnomAD 0.00001; gnomAD exomes 0.00001; TOPMed 0.00001.
gnomAD v4.1: 13 of 1,613,730 alleles (0.00081%); highest among the groups gnomAD compares: African/African-American, 0.0013%; no homozygotes.

Submissions (2):

CeGaT Center for Human Genetics Tuebingen
Classification: Likely pathogenic. Last evaluated: 2026-09-01. Review status: criteria provided, single submitter. Criteria: CeGaT Center For Human Genetics Tuebingen Variant Classification Criteria Version 2. Collection method: clinical testing. Allele origin: germline. Affected: yes. Observed: 2 variant alleles.
Comment: MAN1B1: PM3:Strong, PM2, PM1:Supporting

GeneDx
Classification: Likely pathogenic. Last evaluated: 2025-08-11. Review status: criteria provided, single submitter. Criteria: GeneDx Variant Classification Process June 2021. Collection method: clinical testing. Allele origin: germline.
Comment: In silico analysis supports that this missense variant has a deleterious effect on protein structure/function; Not observed at significant frequency in large population cohorts (gnomAD); This variant is associated with the following publications: (PMID: 34258140, 24566669)

NM_016219.5(MAN1B1):c.2065G>A (p.Glu689Lys)

Gene: MAN1B1 (mannosidase alpha class 1B member 1; plus strand). Cytogenetic location: 9q34.3.
Variant type: single nucleotide variant.
Coding change: c.2065G>A on transcript NM_016219.5 (MANE Select); coding-DNA position 2065, G replaced by A.
Protein change: p.Glu689Lys; replaces glutamic acid 689 with lysine.
Molecular consequence: missense variant. On other transcripts: non-coding transcript variant (2).
Genome position (GRCh38, 1-based): chr9:137,108,556, G>A. VCF-style: chr9-137108556-G-A. GRCh37 (hg19) VCF-style: chr9-140003008-G-A.
Other names: c.2065G>A (NM_016219.4); short protein forms E689K.
Identifiers: ClinVar variation 425470 (VCV000425470.45), dbSNP rs747045738, ClinGen allele CA5359552.